The following is an entry in ClinVar:

ClinVar aggregate classification (germline): Uncertain significance. Review status: criteria provided, multiple submitters, no conflicts (2 of 4 stars). 3 submissions from 3 submitters: Uncertain significance (3). Last evaluated 2023-04-19.

Conditions:
Inborn genetic diseases. Identifiers: MedGen C0950123, MeSH D030342.
Developmental and epileptic encephalopathy, 37 (DEE37). Also called: Epileptic encephalopathy, early infantile, 37. Identifiers: MedGen C4310770, MONDO:0014859, OMIM 616981.

Allele frequency attached by ClinVar (database versions not stated): gnomAD exomes below 0.00001.
gnomAD v4.1: 3 of 1,142,322 alleles (0.00026%); highest among the groups gnomAD compares: Non-Finnish European, 0.00032%; no homozygotes.

Submissions (3):

Ambry Genetics
Classification: Uncertain significance for Inborn genetic diseases. Last evaluated: 2023-04-19. Review status: criteria provided, single submitter. Criteria: Ambry Variant Classification Scheme 2023. Collection method: clinical testing. Allele origin: germline.

Labcorp Genetics (formerly Invitae), Labcorp
Classification: Uncertain significance for Developmental and epileptic encephalopathy, 37. Last evaluated: 2022-06-23. Review status: criteria provided, single submitter. Criteria: Invitae Variant Classification Sherloc (09022015). Collection method: clinical testing. Allele origin: germline.
Comment: This sequence change replaces arginine, which is basic and polar, with proline, which is neutral and non-polar, at codon 46 of the FRRS1L protein (p.Arg46Pro). The frequency data for this variant in the population databases is considered unreliable, as metrics indicate insufficient coverage at this position in the gnomAD database. This variant has not been reported in the literature in individuals affected with FRRS1L-related conditions. ClinVar contains an entry for this variant (Variation ID: 1033285). Algorithms developed to predict the effect of missense changes on protein structure and function are either unavailable or do not agree on the potential impact of this missense change (SIFT: "Deleterious"; PolyPhen-2: "Not Available"; Align-GVGD: "Class C0"). In summary, the available evidence is currently insufficient to determine the role of this variant in disease. Therefore, it has been classified as a Variant of Uncertain Significance.

Baylor Genetics
Classification: Uncertain significance for Developmental and epileptic encephalopathy, 37. Last evaluated: 2018-04-24. Review status: criteria provided, single submitter. Criteria: ACMG Guidelines, 2015. Collection method: clinical testing. Allele origin: unknown. Affected: yes.
Comment: This variant was determined to be of uncertain significance according to ACMG Guidelines, 2015 [PMID:25741868].

NM_014334.4(FRRS1L):c.-17G>C

Gene: FRRS1L (ferric chelate reductase 1 like; minus strand). Cytogenetic location: 9q31.3.
Variant type: single nucleotide variant.
Coding change: c.-17G>C on transcript NM_014334.4 (MANE Select); 17 bases upstream of the start codon, G replaced by C.
Molecular consequence: 5 prime UTR variant.
Genome position (GRCh38, 1-based): chr9:109,167,155, C>G on the plus strand (G>C on the coding strand, the complement: FRRS1L is on the minus strand). VCF-style: chr9-109167155-C-G. GRCh37 (hg19) VCF-style: chr9-111929435-C-G.
Identifiers: ClinVar variation 1033285 (VCV001033285.4), dbSNP rs1831566217, ClinGen allele CA374430776.